The following is an entry in ClinVar:

ClinVar aggregate classification (germline): Benign/Likely benign. Review status: criteria provided, multiple submitters, no conflicts (2 of 4 stars). 2 submissions from 2 submitters: Benign (1); Likely benign (1). Last evaluated 2025-02-16.

Conditions:
Leigh syndrome (NULS). Also called: Leigh's necrotizing encephalopathy; Leigh's disease; Leigh Syndrome (mtDNA deletion); Leigh Disease; Subacute necrotizing encephalopathy; Necrotizing encephalopathy infantile subacute of Leigh. Identifiers: Orphanet 506, MedGen C2931891, MONDO:0009723, OMIM 256000.

Submissions (2):

Laboratory of Genetics, Children's Clinical University Hospital Latvia
Classification: Likely benign. Last evaluated: 2025-02-16. Review status: criteria provided, single submitter. Criteria: ACMG Guidelines, 2015. Collection method: clinical testing. Allele origin: germline. Affected: yes.

Wong Mito Lab, Molecular and Human Genetics, Baylor College of Medicine
Classification: Benign for Leigh syndrome. Last evaluated: 2019-10-17. Review status: criteria provided, single submitter. Criteria: Modified ACMG Guidelines (Unpublished). Collection method: clinical testing. Allele origin: germline.
Comment: The NC_012920.1:m.10192C>T (YP_003024033.1:p.Ser45Phe) variant in MTND3 gene is interpretated to be a Benign variant based on the modified ACMG guidelines (unpublished). This variant meets the following evidence codes: BS1, BS2, BP4

NC_012920.1(MT-ND3):m.10192C>T

Gene: MT-ND3 (mitochondrially encoded NADH dehydrogenase 3; plus strand).
Variant type: single nucleotide variant.
Genome position: chrM-10192-C-T.
Identifiers: ClinVar variation 693271 (VCV000693271.2), dbSNP rs1556423776, ClinGen allele CA414804479.